The following is an entry in ClinVar:

ClinVar aggregate classification (germline): Pathogenic (1 of 4 stars; one submission).

Conditions:
Mitochondrial DNA depletion syndrome 1. Also called: POLIP SYNDROME; POLYNEUROPATHY, OPHTHALMOPLEGIA, LEUKOENCEPHALOPATHY, AND INTESTINAL PSEUDOOBSTRUCTION; Mitochondrial Neurogastrointestinal Encephalopathy Disease; MITOCHONDRIAL NEUROGASTROINTESTINAL ENCEPHALOPATHY SYNDROME, TYMP-RELATED; MNGIE, TYMP-RELATED; Mitochondrial neurogastrointestinal encephalomyopathy syndrome. Identifiers: Orphanet 298, MedGen C4551995, MONDO:0011283, OMIM 603041.

Submission:

Myriad Genetics, Inc.
Classification: Pathogenic for Mitochondrial DNA depletion syndrome 1. Last evaluated: 2026-03-19. Review status: criteria provided, single submitter. Criteria: Myriad Autosomal Dominant, Autosomal Recessive and X-Linked Classification Criteria (2023). Collection method: clinical testing. Allele origin: unknown.
Comment: NM_001953.4(TYMP):c.114_115insT(L39Sfs*85) is expected to be pathogenic in the context of mitochondrial neurogastrointestinal encephalopathy disease. This variant is predicted to lead to an abnormal or absent protein product due to the creation of a premature termination codon in TYMP, a gene where loss-of-function variants are known to be pathogenic. Please note: this variant was assessed in the context of healthy population screening.

NM_001953.5(TYMP):c.114_115insT (p.Leu39fs)

Gene: TYMP (thymidine phosphorylase; minus strand). Cytogenetic location: 22q13.33.
Variant type: Insertion.
Coding change: c.114_115insT on transcript NM_001953.5 (MANE Select); coding-DNA positions 114 to 115, T inserted.
Protein change: p.Leu39fs; shifts the reading frame from leucine 39.
Molecular consequence: frameshift variant.
Genome position: GRCh38 VCF-style: chr22-50529595-G-GA. GRCh37 (hg19) VCF-style: chr22-50968024-G-GA.
Other names: c.114_115insT, p.Leu39fs (NM_001113755.3, NM_001113756.3, NM_001257988.1 and 1 more transcripts); short protein forms L39fs.
Identifiers: ClinVar variation 5010379 (VCV005010379.1).
Genomic context (GRCh38, chr22:50,529,595, plus strand): 5'-CCACGAAGCCCCTGATGTCCGCTTCGCTCAGGCGGCCTCCGTCTCGCTTCATGCGGATCA[G>GA]CTCCGGGAGCTGCTTGGGCTCTGGCGAAGGGTCGGGAAGTCCCTGGCTCCCTTCCCCGGA-3'